The following is an entry in ClinVar:

NM_000147.5(FUCA1):c.1269G>A (p.Met423Ile)

Gene: FUCA1 (alpha-L-fucosidase 1; minus strand). Cytogenetic location: 1p36.11.
Variant type: single nucleotide variant.
Coding change: c.1269G>A on transcript NM_000147.5 (MANE Select); coding-DNA position 1269, G replaced by A.
Protein change: p.Met423Ile; replaces methionine 423 with isoleucine.
Molecular consequence: missense variant. On other transcripts: non-coding transcript variant (4).
Genome position (GRCh38, 1-based): chr1:23,845,847, C>T on the plus strand (G>A on the coding strand, the complement: FUCA1 is on the minus strand). VCF-style: chr1-23845847-C-T. GRCh37 (hg19) VCF-style: chr1-24172337-C-T.
Other names: short protein forms M423I.
Identifiers: ClinVar variation 3720100 (VCV003720100.2).

ClinVar aggregate classification (germline): Uncertain significance (1 of 4 stars; one submission).

Conditions:
Fucosidosis. Also called: ALPHA-L-FUCOSIDASE DEFICIENCY. Identifiers: Orphanet 349, MedGen C0016788, MONDO:0009254, OMIM 230000.

Submission:

Labcorp Genetics (formerly Invitae), Labcorp
Classification: Uncertain significance for Fucosidosis. Last evaluated: 2024-12-07. Review status: criteria provided, single submitter. Criteria: Invitae Variant Classification Sherloc (09022015). Collection method: clinical testing. Allele origin: germline.
Comment: This sequence change replaces methionine, which is neutral and non-polar, with isoleucine, which is neutral and non-polar, at codon 423 of the FUCA1 protein (p.Met423Ile). This variant is not present in population databases (gnomAD no frequency). This variant has not been reported in the literature in individuals affected with FUCA1-related conditions. Invitae Evidence Modeling of protein sequence and biophysical properties (such as structural, functional, and spatial information, amino acid conservation, physicochemical variation, residue mobility, and thermodynamic stability) has been performed for this missense variant. However, the output from this modeling did not meet the statistical confidence thresholds required to predict the impact of this variant on FUCA1 protein function. In summary, the available evidence is currently insufficient to determine the role of this variant in disease. Therefore, it has been classified as a Variant of Uncertain Significance.